The following is an entry in ClinVar:

ClinVar aggregate classification (germline): Likely benign (0 of 4 stars; one submission).

Conditions:
MYOM2-related disorder. Also called: MYOM2-related condition.

Allele frequency attached by ClinVar (database versions not stated): 1000 Genomes Project 0.00200; 1000 Genomes Project 30x 0.00203; gnomAD 0.00297; ESP Exome Variant Server 0.00308; TOPMed 0.00322; ExAC 0.00333; gnomAD exomes 0.00396.
gnomAD v4.1: 6,247 of 1,611,920 alleles (0.39%); highest among the groups gnomAD compares: Middle Eastern, 0.83%; 20 homozygotes.

Submission:

PreventionGenetics, part of Exact Sciences
Classification: Likely benign for MYOM2-related condition. Last evaluated: 2019-02-21. Review status: no assertion criteria provided. Collection method: clinical testing. Allele origin: germline.
Comment: This variant is classified as likely benign based on ACMG/AMP sequence variant interpretation guidelines (Richards et al. 2015 PMID: 25741868, with internal and published modifications).

NM_003970.4(MYOM2):c.3993G>A (p.Gln1331=)

Gene: MYOM2 (myomesin 2; plus strand). Cytogenetic location: 8p23.3.
Variant type: single nucleotide variant.
Coding change: c.3993G>A on transcript NM_003970.4 (MANE Select); coding-DNA position 3993, G replaced by A.
Protein change: p.Gln1331=; no amino-acid change (glutamine 1331 retained).
Molecular consequence: synonymous variant.
Genome position (GRCh38, 1-based): chr8:2,141,169, G>A. VCF-style: chr8-2141169-G-A. GRCh37 (hg19) VCF-style: chr8-2089092-G-A.
Identifiers: ClinVar variation 3037537 (VCV003037537.2), dbSNP rs139081548, ClinGen allele CA170466522.
Genomic context (GRCh38, chr8:2,141,169, plus strand): 5'-TGGTTAGTAACGTATGAACTATTTCCTCACAGCTTTTGATGAAGCATTTGCAGAATTCCA[G>A]CAATTCAAGTAAGATTTGTGTATTTAGTTACTATGATATCCTGTGGGCAGTTGAGTCCCA-3'
Protein context (NP_003961.3, residues 1321-1341): QAFDEAFAEF[Gln1331=]QFKAAAFAEK